The following is an entry in ClinVar:

NM_024422.6(DSC2):c.2477G>A (p.Trp826Ter)

Gene: DSC2 (desmocollin 2; minus strand). Cytogenetic location: 18q12.1.
Variant type: single nucleotide variant.
Coding change: c.2477G>A on transcript NM_024422.6 (MANE Select); coding-DNA position 2477, G replaced by A.
Protein change: p.Trp826Ter; replaces tryptophan 826 with a stop codon.
Molecular consequence: nonsense.
Genome position (GRCh38, 1-based): chr18:31,068,925, C>T on the plus strand (G>A on the coding strand, the complement: DSC2 is on the minus strand). VCF-style: chr18-31068925-C-T. GRCh37 (hg19) VCF-style: chr18-28648891-C-T.
Other names: c.2048G>A, p.Trp683Ter (NM_001406506.1, NM_001406507.1); c.2477G>A, p.Trp826Ter (NM_004949.5); short protein forms W683*, W826*.
Identifiers: ClinVar variation 1723380 (VCV001723380.2), dbSNP rs2510937680, ClinGen allele CA402111191.
Genomic context (GRCh38, chr18:31,068,925, plus strand): 5'-AGATTTGTAGGCCACTTAGGAAAACTCACTTCACCAAGACGGGGCTGAGTAAAACTGTGC[C>T]ACTCCGAGTAAGTGTATCTGCAGTTGTCCACCTCCGTGTGTCCTCCCCTGCAGGAGTCCA-3'

ClinVar aggregate classification (germline): Conflicting classifications of pathogenicity. Review status: criteria provided, conflicting classifications (1 of 4 stars). 2 submissions from 2 submitters: Likely pathogenic (1); Uncertain significance (1). Last evaluated 2023-12-13.

Conditions:
Familial isolated arrhythmogenic right ventricular dysplasia. Identifiers: Orphanet 217656, MedGen C4274968, MONDO:0016342.

Submissions (2):

All of Us Research Program, National Institutes of Health
Classification: Uncertain significance for Familial isolated arrhythmogenic right ventricular dysplasia. Last evaluated: 2023-12-13. Review status: criteria provided, single submitter. Criteria: ACMG Guidelines, 2015. Collection method: clinical testing. Allele origin: germline. Inheritance: Autosomal dominant inheritance. Observed: 1 variant allele, 1 heterozygote.
Comment: This variant changes 1 nucleotide in exon 15 of the DSC2 gene, creating a premature translation stop signal. This variant is expected to escape nonsense-mediated decay and be expressed as a truncated protein product. To our knowledge, this variant has not been reported in individuals affected with cardiovascular disorders in the literature. This variant has not been identified in the general population by the Genome Aggregation Database (gnomAD). The available evidence is insufficient to determine the role of this variant in disease conclusively. Therefore, this variant is classified as a Variant of Uncertain Significance.

This study involves interpretation of variants in research participants for the purpose of population health screening. Participant phenotype was not available at the time of variant classification. Additional details can be found in publication PMID: 35346344, PMCID: PMC8962531

Women's Health and Genetics/Laboratory Corporation of America, LabCorp
Classification: Likely pathogenic for Familial isolated arrhythmogenic right ventricular dysplasia. Last evaluated: 2022-10-24. Review status: criteria provided, single submitter. Criteria: LabCorp Variant Classification Summary - May 2015. Collection method: clinical testing. Allele origin: germline.
Comment: Variant summary: DSC2 c.2477G>A (p.Trp826X) results in a premature termination codon, predicted to cause a truncation of the encoded protein. Truncations downstream of this position have been classified as pathogenic/likely pathogenic in ClinVar and associated with Arrhythmogenic right ventricular cardiomyopathy in HGMD. The variant was absent in 251000 control chromosomes (gnomAD). To our knowledge, no occurrence of c.2477G>A in individuals affected with Arrhythmogenic Right Ventricular Dysplasia/Cardiomyopathy and no experimental evidence demonstrating its impact on protein function have been reported. No clinical diagnostic laboratories have submitted clinical-significance assessments for this variant to ClinVar after 2014. Based on the evidence outlined above, the variant was classified as likely pathogenic.